The following is an entry in ClinVar:

ClinVar aggregate classification (germline): Conflicting classifications of pathogenicity. Review status: criteria provided, conflicting classifications (1 of 4 stars). 2 submissions from 2 submitters: Uncertain significance (1); Likely benign (1). Last evaluated 2024-12-20.

Conditions:
Inborn genetic diseases. Identifiers: MedGen C0950123, MeSH D030342.
Polyglandular autoimmune syndrome, type 1 (APS1). Also called: HYPOADRENOCORTICISM WITH HYPOPARATHYROIDISM AND SUPERFICIAL MONILIASIS; Autoimmune polyendocrine syndrome type 1; Autoimmune polyendocrinopathy syndrome, type I; AUTOIMMUNE POLYENDOCRINE SYNDROME, TYPE I, WITH OR WITHOUT REVERSIBLE METAPHYSEAL DYSPLASIA; APS I; PGA I. Identifiers: Orphanet 3453, MedGen C0085859, MONDO:0009411, OMIM 240300.

Allele frequency attached by ClinVar (database versions not stated): gnomAD 0.00008; ExAC 0.00009; ESP Exome Variant Server 0.00016.
gnomAD v4.1: 144 of 1,577,434 alleles (0.0091%); highest among the groups gnomAD compares: Middle Eastern, 0.034%; no homozygotes.

Submissions (2):

Labcorp Genetics (formerly Invitae), Labcorp
Classification: Uncertain significance for Polyglandular autoimmune syndrome, type 1. Last evaluated: 2024-12-20. Review status: criteria provided, single submitter. Criteria: Invitae Variant Classification Sherloc (09022015). Collection method: clinical testing. Allele origin: germline.
Comment: This sequence change replaces valine, which is neutral and non-polar, with methionine, which is neutral and non-polar, at codon 479 of the AIRE protein (p.Val479Met). The frequency data for this variant in the population databases is considered unreliable, as metrics indicate poor data quality at this position in the gnomAD database. This variant has not been reported in the literature in individuals affected with AIRE-related conditions. ClinVar contains an entry for this variant (Variation ID: 2052251). Invitae Evidence Modeling of protein sequence and biophysical properties (such as structural, functional, and spatial information, amino acid conservation, physicochemical variation, residue mobility, and thermodynamic stability) indicates that this missense variant is not expected to disrupt AIRE protein function with a negative predictive value of 95%. In summary, the available evidence is currently insufficient to determine the role of this variant in disease. Therefore, it has been classified as a Variant of Uncertain Significance.

Ambry Genetics
Classification: Likely benign for Inborn genetic diseases. Last evaluated: 2024-10-24. Review status: criteria provided, single submitter. Criteria: Ambry Variant Classification Scheme 2023. Collection method: clinical testing. Allele origin: germline.

NM_000383.4(AIRE):c.1435G>A (p.Val479Met)

Gene: AIRE (autoimmune regulator; plus strand). Cytogenetic location: 21q22.3.
Variant type: single nucleotide variant.
Coding change: c.1435G>A on transcript NM_000383.4 (MANE Select); coding-DNA position 1435, G replaced by A.
Protein change: p.Val479Met; replaces valine 479 with methionine.
Molecular consequence: missense variant.
Genome position (GRCh38, 1-based): chr21:44,294,435, G>A. VCF-style: chr21-44294435-G-A. GRCh37 (hg19) VCF-style: chr21-45714318-G-A.
Other names: short protein forms V479M.
Identifiers: ClinVar variation 2052251 (VCV002052251.3), dbSNP rs371876095, ClinGen allele CA10052130.